The following is an entry in ClinVar:

NM_001130823.3(DNMT1):c.1149T>C (p.Tyr383=)

Gene: DNMT1 (DNA methyltransferase 1; minus strand). Cytogenetic location: 19p13.2.
Variant type: single nucleotide variant.
Coding change: c.1149T>C on transcript NM_001130823.3 (MANE Select); coding-DNA position 1149, T replaced by C.
Protein change: p.Tyr383=; no amino-acid change (tyrosine 383 retained).
Molecular consequence: synonymous variant.
Genome position (GRCh38, 1-based): chr19:10,159,863, A>G on the plus strand (T>C on the coding strand, the complement: DNMT1 is on the minus strand). VCF-style: chr19-10159863-A-G. GRCh37 (hg19) VCF-style: chr19-10270539-A-G.
Other names: c.1101T>C, p.Tyr367= (NM_001318730.2, NM_001379.4); c.786T>C, p.Tyr262= (NM_001318731.2).
Identifiers: ClinVar variation 891872 (VCV000891872.47), dbSNP rs766807027, ClinGen allele CA9188375.

ClinVar aggregate classification (germline): Likely benign. Review status: criteria provided, multiple submitters, no conflicts (2 of 4 stars). 4 submissions from 4 submitters: Likely benign (4). Last evaluated 2026-01-02.

Conditions:
Hereditary sensory neuropathy-deafness-dementia syndrome. Also called: Hereditary Sensory and Autonomic Neuropathy Type 1E (HSAN1E); NEUROPATHY, HEREDITARY SENSORY, WITH HEARING LOSS AND DEMENTIA; HSN IE; Hereditary sensory neuropathy type IE. Identifiers: Orphanet 456318, MedGen C3279885, MONDO:0013584, OMIM 614116.

Allele frequency attached by ClinVar (database versions not stated): gnomAD 0.00002; gnomAD exomes 0.00002 and 0.00003; ExAC 0.00003; TOPMed 0.00005.
gnomAD v4.1: 41 of 1,614,068 alleles (0.0025%); highest among the groups gnomAD compares: Admixed American, 0.0067%; no homozygotes.

Submissions (4):

Labcorp Genetics (formerly Invitae), Labcorp
Classification: Likely benign for Hereditary sensory neuropathy-deafness-dementia syndrome. Last evaluated: 2026-01-02. Review status: criteria provided, single submitter. Criteria: Invitae Variant Classification Sherloc (09022015). Collection method: clinical testing. Allele origin: germline.

Women's Health and Genetics/Laboratory Corporation of America, LabCorp
Classification: Likely benign. Last evaluated: 2024-09-13. Review status: criteria provided, single submitter. Criteria: LabCorp Variant Classification Summary - May 2015. Collection method: clinical testing. Allele origin: germline.

CeGaT Center for Human Genetics Tuebingen
Classification: Likely benign. Last evaluated: 2020-11-01. Review status: criteria provided, single submitter. Criteria: CeGaT Center For Human Genetics Tuebingen Variant Classification Criteria Version 2. Collection method: clinical testing. Allele origin: germline. Affected: yes. Observed: 1 variant allele.

Illumina Laboratory Services, Illumina
Classification: Likely benign for Hereditary sensory neuropathy-deafness-dementia syndrome. Last evaluated: 2017-04-27. Review status: criteria provided, single submitter. Criteria: ICSL Variant Classification Criteria 13 December 2019. Collection method: clinical testing. Allele origin: germline.
Comment: This variant was observed as part of a predisposition screen in an ostensibly healthy population. A literature search was performed for the gene, cDNA change, and amino acid change (where applicable). No publications were found based on this search. Allele frequency data from public databases allowed determination this variant is unlikely to cause disease. Therefore, this variant is classified as likely benign.